The following is an entry in ClinVar:

ClinVar aggregate classification (germline): Uncertain significance (1 of 4 stars; one submission).

Submission:

Labcorp Genetics (formerly Invitae), Labcorp
Classification: Uncertain significance. Last evaluated: 2022-03-09. Review status: criteria provided, single submitter. Criteria: Invitae Variant Classification Sherloc (09022015). Collection method: clinical testing. Allele origin: germline.
Comment: This variant has not been reported in the literature in individuals affected with COL9A3-related conditions. This variant is not present in population databases (gnomAD no frequency). This sequence change replaces proline, which is neutral and non-polar, with serine, which is neutral and polar, at codon 182 of the COL9A3 protein (p.Pro182Ser). Advanced modeling of protein sequence and biophysical properties (such as structural, functional, and spatial information, amino acid conservation, physicochemical variation, residue mobility, and thermodynamic stability) performed at Invitae indicates that this missense variant is not expected to disrupt COL9A3 protein function. In summary, the available evidence is currently insufficient to determine the role of this variant in disease. Therefore, it has been classified as a Variant of Uncertain Significance.

NM_001853.4(COL9A3):c.544C>T (p.Pro182Ser)

Gene: COL9A3 (collagen type IX alpha 3 chain; plus strand). Cytogenetic location: 20q13.33.
Variant type: single nucleotide variant.
Coding change: c.544C>T on transcript NM_001853.4 (MANE Select); coding-DNA position 544, C replaced by T.
Protein change: p.Pro182Ser; replaces proline 182 with serine.
Molecular consequence: missense variant.
Genome position (GRCh38, 1-based): chr20:62,824,469, C>T. VCF-style: chr20-62824469-C-T. GRCh37 (hg19) VCF-style: chr20-61455821-C-T.
Other names: short protein forms P182S.
Identifiers: ClinVar variation 1921511 (VCV001921511.5), dbSNP rs1391704308, ClinGen allele CA409590641.